The following is an entry in ClinVar:

NM_033026.6(PCLO):c.2845G>T (p.Ala949Ser)

Gene: PCLO (piccolo presynaptic cytomatrix protein; minus strand). Cytogenetic location: 7q21.11.
Variant type: single nucleotide variant.
Coding change: c.2845G>T on transcript NM_033026.6 (MANE Select); coding-DNA position 2845, G replaced by T.
Protein change: p.Ala949Ser; replaces alanine 949 with serine.
Molecular consequence: missense variant.
Genome position (GRCh38, 1-based): chr7:83,134,705, C>A on the plus strand (G>T on the coding strand, the complement: PCLO is on the minus strand). VCF-style: chr7-83134705-C-A. GRCh37 (hg19) VCF-style: chr7-82764021-C-A.
Other names: c.2845G>T, p.Ala949Ser (NM_014510.3); c.2845G>T (NM_033026.5); short protein forms A949S.
Identifiers: ClinVar variation 1441638 (VCV001441638.4), dbSNP rs554897786, ClinGen allele CA4321186.

ClinVar aggregate classification (germline): Uncertain significance. Review status: criteria provided, multiple submitters, no conflicts (2 of 4 stars). 2 submissions from 2 submitters: Uncertain significance (2). Last evaluated 2023-11-17.

Conditions:
Inborn genetic diseases. Identifiers: MedGen C0950123, MeSH D030342.

Allele frequency attached by ClinVar (database versions not stated): ExAC 0.00005; gnomAD exomes 0.00006; gnomAD 0.00010 and 0.00011; TOPMed 0.00015; 1000 Genomes Project 0.00040; 1000 Genomes Project 30x 0.00047.
gnomAD v4.1: 112 of 1,613,744 alleles (0.0069%); highest among the groups gnomAD compares: Middle Eastern, 0.033%; no homozygotes.

Submissions (2):

Ambry Genetics
Classification: Uncertain significance for Inborn genetic diseases. Last evaluated: 2023-11-17. Review status: criteria provided, single submitter. Criteria: Ambry Variant Classification Scheme 2023. Collection method: clinical testing. Allele origin: germline.

Labcorp Genetics (formerly Invitae), Labcorp
Classification: Uncertain significance. Last evaluated: 2022-09-01. Review status: criteria provided, single submitter. Criteria: Invitae Variant Classification Sherloc (09022015). Collection method: clinical testing. Allele origin: germline.
Comment: This sequence change replaces alanine, which is neutral and non-polar, with serine, which is neutral and polar, at codon 949 of the PCLO protein (p.Ala949Ser). This variant is present in population databases (rs554897786, gnomAD 0.03%). This variant has not been reported in the literature in individuals affected with PCLO-related conditions. ClinVar contains an entry for this variant (Variation ID: 1441638). Algorithms developed to predict the effect of missense changes on protein structure and function are either unavailable or do not agree on the potential impact of this missense change (SIFT: "Deleterious"; PolyPhen-2: "Not Available"; Align-GVGD: "Class C0"). In summary, the available evidence is currently insufficient to determine the role of this variant in disease. Therefore, it has been classified as a Variant of Uncertain Significance.